The following is an entry in ClinVar:

ClinVar aggregate classification (germline): Uncertain significance (1 of 4 stars; one submission).

Conditions:
Frontotemporal dementia and/or amyotrophic lateral sclerosis 1 (FTDALS1). Also called: Frontotemporal dementia with motor neuron disease 1; C9orf72 Frontotemporal Dementia and/or Amyotrophic Lateral Sclerosis. Identifiers: Orphanet 275872, MedGen C5779877, MONDO:0007105, OMIM 105550.
Paget disease of bone 2, early-onset (PDB2). Also called: Paget disease of bone 2. Identifiers: MedGen C4085251, MONDO:0011183, OMIM 602080.

gnomAD v4.1: 4 of 1,573,516 alleles (0.00025%); highest among the groups gnomAD compares: Non-Finnish European, 0.00034%; no homozygotes.

Submission:

Labcorp Genetics (formerly Invitae), Labcorp
Classification: Uncertain significance for Paget disease of bone 2, early-onset; Frontotemporal dementia and/or amyotrophic lateral sclerosis 1. Last evaluated: 2024-02-04. Review status: criteria provided, single submitter. Criteria: Invitae Variant Classification Sherloc (09022015). Collection method: clinical testing. Allele origin: germline.
Comment: This sequence change replaces serine, which is neutral and polar, with glycine, which is neutral and non-polar, at codon 24 of the SQSTM1 protein (p.Ser24Gly). This variant is not present in population databases (gnomAD no frequency). This variant has not been reported in the literature in individuals affected with SQSTM1-related conditions. Advanced modeling of protein sequence and biophysical properties (such as structural, functional, and spatial information, amino acid conservation, physicochemical variation, residue mobility, and thermodynamic stability) performed at Invitae indicates that this missense variant is not expected to disrupt SQSTM1 protein function with a negative predictive value of 80%. In summary, the available evidence is currently insufficient to determine the role of this variant in disease. Therefore, it has been classified as a Variant of Uncertain Significance.

NM_003900.5(SQSTM1):c.70A>G (p.Ser24Gly)

Gene: SQSTM1 (sequestosome 1; plus strand). Cytogenetic location: 5q35.3.
Variant type: single nucleotide variant.
Coding change: c.70A>G on transcript NM_003900.5 (MANE Select); coding-DNA position 70, A replaced by G.
Protein change: p.Ser24Gly; replaces serine 24 with glycine.
Molecular consequence: missense variant. On other transcripts: intron variant (2).
Genome position (GRCh38, 1-based): chr5:179,821,006, A>G. VCF-style: chr5-179821006-A-G. GRCh37 (hg19) VCF-style: chr5-179248006-A-G.
Other names: c.-47-1952A>G (NM_001142298.2, NM_001142299.2); short protein forms S24G.
Identifiers: ClinVar variation 3752195 (VCV003752195.2).